The following is an entry in ClinVar:

NM_003647.3(DGKE):c.1247del (p.Cys415_Leu416insTer)

Gene: DGKE (diacylglycerol kinase epsilon; plus strand). Cytogenetic location: 17q22.
Variant type: Deletion.
Coding change: c.1247del on transcript NM_003647.3 (MANE Select); coding-DNA position 1247, one base deleted (T; older notation c.1247delT).
Protein change: p.Cys415_Leu416insTer.
Molecular consequence: nonsense.
Genome position (GRCh38, 1-based): chr17:56,858,628, T deleted; the last of 3 consecutive T bases (chr17:56,858,626-56,858,628); deleting any one gives the same sequence. VCF-style (leftmost placement, unchanged base first): chr17-56858625-GT-G. GRCh37 (hg19) VCF-style: chr17-54935986-GT-G.
Other names: c.1247delT (NM_003647.3).
Identifiers: ClinVar variation 3256952 (VCV003256952.1).

ClinVar aggregate classification (germline): Likely pathogenic (1 of 4 stars; one submission).

Conditions:
Susceptibility to severe COVID-19.

Submission:

Molecular Medicine Center, Medical University of Sofia
Classification: Likely pathogenic for Susceptibility to severe COVID-19. Last evaluated: 2024-07-22. Review status: criteria provided, single submitter. Criteria: ACMG Guidelines, 2015. Collection method: research. Allele origin: germline. Affected: yes.
Comment: Novel (unreported in gnomAD or dbSNP until April 2024) variant found in severely infected COVID-19 Bulgarian patients in a research study. Variant is classified as likely pathogenic according to the ACMG criteria: PM2,PVS1.